The following is an entry in ClinVar:

ClinVar aggregate classification (germline): Likely benign. Review status: criteria provided, multiple submitters, no conflicts (2 of 4 stars). 2 submissions from 2 submitters: Likely benign (2). Last evaluated 2025-11-01.

Allele frequency attached by ClinVar (database versions not stated): gnomAD 0.00001; gnomAD exomes 0.00002 and 0.00008; TOPMed 0.00002; ExAC 0.00008; 1000 Genomes Project 30x 0.00047; 1000 Genomes Project 0.00060.
gnomAD v4.1: 39 of 1,613,670 alleles (0.0024%); highest among the groups gnomAD compares: East Asian, 0.047%; no homozygotes.

Submissions (2):

CeGaT Center for Human Genetics Tuebingen
Classification: Likely benign. Last evaluated: 2025-11-01. Review status: criteria provided, single submitter. Criteria: CeGaT Center For Human Genetics Tuebingen Variant Classification Criteria Version 2. Collection method: clinical testing. Allele origin: germline. Affected: yes. Observed: 2 variant alleles.
Comment: ARID2: BP4, BP7

Labcorp Genetics (formerly Invitae), Labcorp
Classification: Likely benign. Last evaluated: 2019-12-31. Review status: criteria provided, single submitter. Criteria: Invitae Variant Classification Sherloc (09022015). Collection method: clinical testing. Allele origin: germline.

NM_152641.4(ARID2):c.120G>T (p.Val40=)

Genes: ARID2 (AT-rich interaction domain 2; plus strand), LOC130007728 (ATAC-STARR-seq lymphoblastoid silent region 4376; plus strand). Cytogenetic location: 12q12.
Variant type: single nucleotide variant.
Coding change: c.120G>T on transcript NM_152641.4 (MANE Select); coding-DNA position 120, G replaced by T.
Protein change: p.Val40=; no amino-acid change (valine 40 retained).
Molecular consequence: synonymous variant.
Genome position (GRCh38, 1-based): chr12:45,730,071, G>T. VCF-style: chr12-45730071-G-T. GRCh37 (hg19) VCF-style: chr12-46123854-G-T.
Other names: c.120G>T, p.Val40= (NM_001347839.2).
Identifiers: ClinVar variation 738393 (VCV000738393.25), dbSNP rs201596354, ClinGen allele CA6525815.